The following is an entry in ClinVar:

ClinVar aggregate classification (germline): Uncertain significance. Review status: criteria provided, multiple submitters, no conflicts (2 of 4 stars). 3 submissions from 3 submitters: Uncertain significance (3). Last evaluated 2025-10-27.

Conditions:
Hereditary cancer-predisposing syndrome. Also called: Neoplastic Syndromes, Hereditary; Hereditary Cancer Syndrome; Tumor predisposition; Hereditary neoplastic syndrome. Identifiers: Orphanet 140162, MedGen C0027672, MeSH D009386, MONDO:0015356.
Familial cancer of breast. Also called: Hereditary breast cancer; hereditary breast carcinoma; BREAST CANCER, FAMILIAL. Identifiers: Orphanet 227535, MedGen C0346153, MONDO:0016419, OMIM 114480. Disease mechanism: loss of function.
Fanconi anemia complementation group J. Also called: BRIP1-Related Fanconi Anemia. Identifiers: Orphanet 84, MedGen C1836860, MONDO:0012187, OMIM 609054.

Submissions (3):

Labcorp Genetics (formerly Invitae), Labcorp
Classification: Uncertain significance for Familial cancer of breast; Fanconi anemia complementation group J. Last evaluated: 2025-10-27. Review status: criteria provided, single submitter. Criteria: Invitae Variant Classification Sherloc (09022015). Collection method: clinical testing. Allele origin: germline.
Comment: This sequence change replaces phenylalanine, which is neutral and non-polar, with valine, which is neutral and non-polar, at codon 849 of the BRIP1 protein (p.Phe849Val). This variant is not present in population databases (gnomAD no frequency). This variant has not been reported in the literature in individuals affected with BRIP1-related conditions. ClinVar contains an entry for this variant (Variation ID: 1321034). Invitae Evidence Modeling of protein sequence and biophysical properties (such as structural, functional, and spatial information, amino acid conservation, physicochemical variation, residue mobility, and thermodynamic stability) indicates that this missense variant is expected to disrupt BRIP1 protein function with a positive predictive value of 95%. In summary, the available evidence is currently insufficient to determine the role of this variant in disease. Therefore, it has been classified as a Variant of Uncertain Significance.

Ambry Genetics
Classification: Uncertain significance for Hereditary cancer-predisposing syndrome. Last evaluated: 2024-05-17. Review status: criteria provided, single submitter. Criteria: Ambry Variant Classification Scheme 2023. Collection method: clinical testing. Allele origin: germline.
Comment: The p.F849V variant (also known as c.2545T>G), located in coding exon 17 of the BRIP1 gene, results from a T to G substitution at nucleotide position 2545. The phenylalanine at codon 849 is replaced by valine, an amino acid with highly similar properties. This amino acid position is conserved. In addition, this alteration is predicted to be deleterious by in silico analysis. Based on the available evidence, the clinical significance of this variant remains unclear.

GeneDx
Classification: Uncertain significance. Last evaluated: 2020-05-29. Review status: criteria provided, single submitter. Criteria: GeneDx Variant Classification Process June 2021. Collection method: clinical testing. Allele origin: germline. Affected: yes.
Comment: Not observed in large population cohorts (Lek 2016); In silico analysis supports that this missense variant has a deleterious effect on protein structure/function; Has not been previously published as pathogenic or benign to our knowledge

NM_032043.3(BRIP1):c.2545T>G (p.Phe849Val)

Gene: BRIP1 (BRCA1 interacting DNA helicase 1; minus strand). Cytogenetic location: 17q23.2.
Variant type: single nucleotide variant.
Coding change: c.2545T>G on transcript NM_032043.3 (MANE Select); coding-DNA position 2545, T replaced by G.
Protein change: p.Phe849Val; replaces phenylalanine 849 with valine.
Molecular consequence: missense variant.
Genome position (GRCh38, 1-based): chr17:61,693,460, A>C on the plus strand (T>G on the coding strand, the complement: BRIP1 is on the minus strand). VCF-style: chr17-61693460-A-C. GRCh37 (hg19) VCF-style: chr17-59770821-A-C.
Other names: short protein forms F849V.
Identifiers: ClinVar variation 1321034 (VCV001321034.4), dbSNP rs786202317, ClinGen allele CA400482402.